The following is an entry in ClinVar:

NM_020320.5(RARS2):c.1026G>A (p.Met342Ile)

Gene: RARS2 (arginyl-tRNA synthetase 2, mitochondrial; minus strand). Cytogenetic location: 6q15.
Variant type: single nucleotide variant.
Coding change: c.1026G>A on transcript NM_020320.5 (MANE Select); coding-DNA position 1026, G replaced by A.
Protein change: p.Met342Ile; replaces methionine 342 with isoleucine.
Molecular consequence: missense variant. On other transcripts: non-coding transcript variant (23).
Genome position (GRCh38, 1-based): chr6:87,521,473, C>T on the plus strand (G>A on the coding strand, the complement: RARS2 is on the minus strand). VCF-style: chr6-87521473-C-T. GRCh37 (hg19) VCF-style: chr6-88231191-C-T.
Other names: p.M342I:ATG>ATA; c.501G>A, p.Met167Ile (NM_001318785.2, NM_001350506.2, NM_001350507.2 and 4 more transcripts); c.1026G>A, p.Met342Ile (NM_001350505.2); short protein forms M342I, M167I.
Identifiers: ClinVar variation 215064 (VCV000215064.41), dbSNP rs34647222, ClinGen allele CA319794.

ClinVar aggregate classification (germline): Conflicting classifications of pathogenicity. Review status: criteria provided, conflicting classifications (1 of 4 stars). 19 submissions from 19 submitters: Pathogenic (2); Likely pathogenic (8); Uncertain significance (5). 4 of the submissions do not count toward it. Last evaluated 2026-08-16.

Conditions:
RARS2-related disorder. Also called: RARS2-related condition.
Pontoneocerebellar hypoplasia. Also called: Pontocerebellar hypoplasia; Non-syndromic pontocerebellar hypoplasia. Identifiers: Orphanet 98523, MedGen C1261175, MONDO:0020135.
Pontocerebellar hypoplasia type 6 (PCH6). Identifiers: Orphanet 166073, MedGen C1969084, MONDO:0012683, OMIM 611523.

Allele frequency attached by ClinVar (database versions not stated): gnomAD 0.00014 and 0.00015; TOPMed 0.00014; ESP Exome Variant Server 0.00015; 1000 Genomes Project 30x 0.00016; gnomAD exomes 0.00019 and 0.00026; 1000 Genomes Project 0.00020; ExAC 0.00025.
gnomAD v4.1: 289 of 1,605,816 alleles (0.018%); highest among the groups gnomAD compares: Middle Eastern, 0.066%; no homozygotes.

Submissions (19):

GeneDx
Classification: Likely pathogenic. Last evaluated: 2026-08-16. Review status: criteria provided, single submitter. Criteria: GeneDx Variant Classification Process June 2021. Collection method: clinical testing. Allele origin: germline.
Comment: In silico analysis supports that this missense variant has a deleterious effect on protein structure/function; This variant is associated with the following publications: (PMID: 34426522, 27290639, 32725632, 34717047, 33798445, 39551846, 37260775, 38622473)

OLLIN Analises Genomicas, OLLIN
Classification: Likely pathogenic for Pontocerebellar hypoplasia type 6. Last evaluated: 2026-02-13. Review status: criteria provided, single submitter. Criteria: ACMG Guidelines 2015 PMID 25741868. Collection method: clinical testing. Allele origin: germline. Observed: 1 variant allele.
Comment: PM2_P, PM3_S, PM5

Women's Health and Genetics/Laboratory Corporation of America, LabCorp
Classification: Likely pathogenic for Pontoneocerebellar hypoplasia. Last evaluated: 2025-11-25. Review status: criteria provided, single submitter. Criteria: LabCorp Variant Classification Summary - May 2015. Collection method: clinical testing. Allele origin: germline.
Comment: Variant summary: RARS2 c.1026G>A (p.Met342Ile) results in a conservative amino acid change located in the Arginyl t-RNA synthetase, catalytic core domain (IPR035684) of the encoded protein sequence. Algorithms developed to predict the effect of missense changes on protein structure and function are either unavailable or do not agree on the potential impact of this missense change. The variant allele was found at a frequency of 0.00026 in 250674 control chromosomes (gnomAD). This frequency is not significantly higher than estimated for disease-causing variants in RARS2, allowing no conclusion about variant significance. c.1026G>A has been observed in individuals affected with features overlapping with Pontocerebellar Hypoplasia, Type 6 (e.g., Pronicka_2016, Minardi_2020, Courage_2021, Abdelkhalek_2024). These data indicate that the variant is likely to be associated with disease. To our knowledge, no experimental evidence demonstrating an impact on protein function has been reported. The following publications have been ascertained in the context of this evaluation (PMID: 27290639, 33798445, 32725632, 39551846). ClinVar contains an entry for this variant (Variation ID: 215064). Based on the evidence outlined above, the variant was classified as likely pathogenic.

Dasa
Classification: Likely pathogenic. Last evaluated: 2025-10-24. Review status: criteria provided, single submitter. Criteria: DASA Assertion Criteria. Collection method: clinical testing. Allele origin: germline.
Comment: NM_020320.5(RARS2):c.1026G>A (p.Met342Ile) is a missense variant that results in the substitution of methionine with isoleucine. This variant has been observed in affected individuals with related phenotype in a genotype context consistent with recessive disease (PMID: 33798445; PMID: 32725632; PMID: 27290639). This variant has been recurrently observed in individuals with related phenotype (PMID: 33798445; PMID: 32725632; PMID: 27290639). The variant is present at low frequency in population datasets. Based on the available data, this variant is classified as likely pathogenic.

First Genomix Gene Laboratory, Genetic Diagnostics Department
Classification: Likely pathogenic for Pontocerebellar hypoplasia type 6. Last evaluated: 2025-01-20. Review status: criteria provided, single submitter. Criteria: ACMG Guidelines, 2015. Collection method: clinical testing. Allele origin: germline. Inheritance: Autosomal recessive inheritance. Affected: no. Observed: 1 variant allele.

Blueprint Genetics
Classification: Pathogenic for RARS2-related disorders. Last evaluated: 2024-08-16. Review status: criteria provided, single submitter. Criteria: ACMG Guidelines, 2015. Collection method: clinical testing. Allele origin: germline. Affected: yes. Observed: 5 variant alleles.

Baylor Genetics
Classification: Pathogenic for Pontocerebellar hypoplasia type 6. Last evaluated: 2024-03-23. Review status: criteria provided, single submitter. Criteria: ACMG Guidelines, 2015. Collection method: clinical testing. Allele origin: unknown.

Fulgent Genetics
Classification: Likely pathogenic for Pontocerebellar hypoplasia type 6. Last evaluated: 2024-01-27. Review status: criteria provided, single submitter. Criteria: ACMG Guidelines, 2015. Collection method: clinical testing. Allele origin: germline.

Labcorp Genetics (formerly Invitae), Labcorp
Classification: Uncertain significance. Last evaluated: 2022-08-02. Review status: criteria provided, single submitter. Criteria: Invitae Variant Classification Sherloc (09022015). Collection method: clinical testing. Allele origin: germline.
Comment: This sequence change replaces methionine, which is neutral and non-polar, with isoleucine, which is neutral and non-polar, at codon 342 of the RARS2 protein (p.Met342Ile). This variant is present in population databases (rs34647222, gnomAD 0.1%). This missense change has been observed in individual(s) with developmental and epileptic encephalopathy and/or pontocerebellar hypoplasia (PMID: 27290639, 32725632). In at least one individual the data is consistent with being in trans (on the opposite chromosome) from a pathogenic variant. ClinVar contains an entry for this variant (Variation ID: 215064). Algorithms developed to predict the effect of missense changes on protein structure and function (SIFT, PolyPhen-2, Align-GVGD) all suggest that this variant is likely to be tolerated. This variant disrupts the p.Met342 amino acid residue in RARS2. Other variant(s) that disrupt this residue have been observed in individuals with RARS2-related conditions (PMID: 20635367), which suggests that this may be a clinically significant amino acid residue. In summary, the available evidence is currently insufficient to determine the role of this variant in disease. Therefore, it has been classified as a Variant of Uncertain Significance.

Victorian Clinical Genetics Services, Murdoch Childrens Research Institute
Classification: Likely pathogenic for Pontocerebellar hypoplasia type 6. Last evaluated: 2022-06-24. Review status: criteria provided, single submitter. Criteria: ACMG Guidelines, 2015. Collection method: clinical testing. Allele origin: germline. Inheritance: Autosomal recessive inheritance. Affected: no.
Comment: Based on the classification scheme VCGS_Germline_v1.3.4, this variant is classified as Likely pathogenic. Following criteria are met: 0102 - Loss of function is a known mechanism of disease in this gene and is associated with pontocerebellar hypoplasia, type 6 (MIM#611523). (I) 0106 - This gene is associated with autosomal recessive disease. (I) 0200 - Variant is predicted to result in a missense amino acid change from methionine to isoleucine. (I) 0251 - This variant is heterozygous. (I) 0304 - Variant is present in gnomAD (v2) <0.01 for a recessive condition (69 heterozygotes, 0 homozygotes). (SP) 0309 - An alternative amino acid changes at the same position have been observed in gnomAD (v3) (1 heterozygote, 0 homozygotes). (I) 0502 - Missense variant with conflicting in silico predictions and uninformative conservation. (I) 0600 - Variant is located in the annotated tRNA synthetases class I (R) domain (DECIPHER). (I) 0704 - Another missense variant comparable to the one identified in this case has limited previous evidence for pathogenicity. This alternative change (p.(Met342Val)) has been reported in a compound heterozygous individual with pontocerebellar hypoplasia (PMID: 20635367). (SP) 0801 - This variant has strong previous evidence of pathogenicity in unrelated individuals. This variant has been reported as a VUS but more recently as pathogenic and likely pathogenic (ClinVar), and has been observed in three unrelated, compound heterozygous individuals with mitochondrial disorder, progressive myoclonus or cerebellar signs with tonic seizures (PMID: 33798445, PMID: 27290639, PMID: 32725632). (SP) 0906 - Segregation evidence for this variant is inconclusive. This variant segregated in an individual and their affected sibling (PMID: 27290639). (I) 1007 - No published functional evidence has been identified for this variant. (I) 1208 - Inheritance information for this variant is not currently available in this individual. (I) Legend: (SP) - Supporting pathogenic, (I) - Information, (SB) - Supporting benign

Revvity Omics, Revvity
Classification: Uncertain significance for Pontocerebellar hypoplasia type 6. Last evaluated: 2022-02-17. Review status: criteria provided, single submitter. Criteria: ACMG Guidelines, 2015. Collection method: clinical testing. Allele origin: germline.

Genome-Nilou Lab
Classification: Uncertain significance for Pontocerebellar hypoplasia type 6. Last evaluated: 2021-07-22. Review status: criteria provided, single submitter. Criteria: ACMG Guidelines, 2015. Collection method: clinical testing. Allele origin: germline. Affected: no.

Pars Genome Lab
Classification: Uncertain significance for Pontocerebellar hypoplasia type 6. Last evaluated: 2021-05-18. Review status: criteria provided, single submitter. Criteria: ACMG Guidelines, 2015. Collection method: clinical testing. Allele origin: germline. Affected: no.

Mendelics
Classification: Likely pathogenic for Pontocerebellar hypoplasia type 6. Last evaluated: 2019-05-28. Review status: criteria provided, single submitter. Criteria: Mendelics Assertion Criteria 2017. Collection method: clinical testing. Allele origin: unknown.

Illumina Laboratory Services, Illumina
Classification: Uncertain significance for Pontocerebellar hypoplasia type 6. Last evaluated: 2018-01-13. Review status: criteria provided, single submitter. Criteria: ICSL Variant Classification Criteria 13 December 2019. Collection method: clinical testing. Allele origin: germline.

Natera, Inc.
Classification: Uncertain significance for Pontocerebellar hypoplasia, type 6. Last evaluated: 2020-09-16. Review status: no assertion criteria provided. Collection method: clinical testing. Allele origin: germline. Not counted in ClinVar's aggregate classification.

Clinical Genetics DNA and cytogenetics Diagnostics Lab, Erasmus MC, Erasmus Medical Center
Classification: Uncertain significance. Review status: no assertion criteria provided. Collection method: clinical testing. Allele origin: germline. Affected: yes. Study: VKGL Data-share Consensus. Not counted in ClinVar's aggregate classification.

Department of Pathology and Laboratory Medicine, Sinai Health System
Classification: Uncertain significance. Review status: no assertion criteria provided. Collection method: clinical testing. Allele origin: unknown. Affected: yes. Study: The Canadian Open Genetics Repository (COGR). Not counted in ClinVar's aggregate classification.

Joint Genome Diagnostic Labs from Nijmegen and Maastricht, Radboudumc and MUMC+
Classification: Uncertain significance. Review status: no assertion criteria provided. Collection method: clinical testing. Allele origin: germline. Affected: yes. Study: VKGL Data-share Consensus. Not counted in ClinVar's aggregate classification.

Literature cited by the submitters: PubMed 27290639 (cited by 4 submitters); PubMed 33798445 (cited by 3 submitters); PubMed 32725632 (cited by 4 submitters); PubMed 39551846 (cited by Women's Health and Genetics/Laboratory Corporation of America, LabCorp); PubMed 20635367 (cited by Labcorp Genetics (formerly Invitae), Labcorp and Victorian Clinical Genetics Services, Murdoch Childrens Research Institute).